The following is an entry in ClinVar:

NM_206933.4(USH2A):c.8824G>A (p.Asp2942Asn)

Gene: USH2A (usherin; minus strand). Cytogenetic location: 1q41.
Variant type: single nucleotide variant.
Coding change: c.8824G>A on transcript NM_206933.4 (MANE Select); coding-DNA position 8824, G replaced by A.
Protein change: p.Asp2942Asn; replaces aspartic acid 2942 with asparagine.
Molecular consequence: missense variant.
Genome position (GRCh38, 1-based): chr1:215,867,028, C>T on the plus strand (G>A on the coding strand, the complement: USH2A is on the minus strand). VCF-style: chr1-215867028-C-T. GRCh37 (hg19) VCF-style: chr1-216040370-C-T.
Other names: short protein forms D2942N.
Identifiers: ClinVar variation 838530 (VCV000838530.8), dbSNP rs763232931, ClinGen allele CA1394497.

ClinVar aggregate classification (germline): Uncertain significance. Review status: criteria provided, single submitter (1 of 4 stars). 2 submissions from 2 submitters: Uncertain significance (1). 1 of the submissions does not count toward it. Last evaluated 2021-09-01.

Conditions:
Usher syndrome type 2A. Also called: RETINAL DISEASE IN USHER SYNDROME TYPE IIA, MODIFIER OF; USHER SYNDROME, TYPE IIA. Identifiers: Orphanet 231178, Orphanet 886, MedGen C1848634, MONDO:0010169, OMIM 276901.

Allele frequency attached by ClinVar (database versions not stated): gnomAD exomes below 0.00001; ExAC 0.00001; gnomAD 0.00001; TOPMed 0.00002.
gnomAD v4.1: 8 of 1,613,988 alleles (0.0005%); highest among the groups gnomAD compares: South Asian, 0.0044%; no homozygotes.

Submissions (2):

Labcorp Genetics (formerly Invitae), Labcorp
Classification: Uncertain significance. Last evaluated: 2021-09-01. Review status: criteria provided, single submitter. Criteria: Invitae Variant Classification Sherloc (09022015). Collection method: clinical testing. Allele origin: germline.
Comment: This sequence change replaces aspartic acid with asparagine at codon 2942 of the USH2A protein (p.Asp2942Asn). The aspartic acid residue is highly conserved and there is a small physicochemical difference between aspartic acid and asparagine. This variant is present in population databases (rs763232931, ExAC 0.006%). This variant has not been reported in the literature in individuals affected with USH2A-related conditions. Algorithms developed to predict the effect of missense changes on protein structure and function are either unavailable or do not agree on the potential impact of this missense change (SIFT: "Deleterious"; PolyPhen-2: "Benign"; Align-GVGD: "Class C0"). In summary, the available evidence is currently insufficient to determine the role of this variant in disease. Therefore, it has been classified as a Variant of Uncertain Significance.

Natera, Inc.
Classification: Uncertain significance for Usher syndrome type 2A. Last evaluated: 2020-01-17. Review status: no assertion criteria provided. Collection method: clinical testing. Allele origin: germline. Not counted in ClinVar's aggregate classification.